The following is an entry in ClinVar:

ClinVar aggregate classification (germline): Benign/Likely benign. Review status: criteria provided, multiple submitters, no conflicts (2 of 4 stars). 3 submissions from 3 submitters: Benign (1); Likely benign (1). 1 of the submissions does not count toward it. Last evaluated 2025-10-16.

Conditions:
PIGG-related disorder. Also called: PIGG-related condition.
Intellectual disability, autosomal recessive 53 (NEDHSCA). Also called: GLYCOSYLPHOSPHATIDYLINOSITOL BIOSYNTHESIS DEFECT 13; Mental retardation, autosomal recessive 53; NEURODEVELOPMENTAL DISORDER WITH OR WITHOUT HYPOTONIA, SEIZURES, AND CEREBELLAR ATROPHY. Identifiers: Orphanet 488635, MedGen C4310794, MONDO:0014832, OMIM 616917.

Allele frequency attached by ClinVar (database versions not stated): ESP Exome Variant Server 0.00008; gnomAD 0.00012 and 0.00019; gnomAD exomes 0.00012 and 0.00037; TOPMed 0.00016; ExAC 0.00045; 1000 Genomes Project 30x 0.00172; 1000 Genomes Project 0.00200.
gnomAD v4.1: 214 of 1,612,896 alleles (0.013%); highest among the groups gnomAD compares: East Asian, 0.29%; no homozygotes.

Submissions (3):

Labcorp Genetics (formerly Invitae), Labcorp
Classification: Benign for Intellectual disability, autosomal recessive 53. Last evaluated: 2025-10-16. Review status: criteria provided, single submitter. Criteria: Invitae Variant Classification Sherloc (09022015). Collection method: clinical testing. Allele origin: germline.

Blueprint Genetics
Classification: Likely benign. Last evaluated: 2024-09-18. Review status: criteria provided, single submitter. Criteria: ACMG Guidelines, 2015. Collection method: clinical testing. Allele origin: germline.

PreventionGenetics, part of Exact Sciences
Classification: Likely benign for PIGG-related condition. Last evaluated: 2019-10-04. Review status: no assertion criteria provided. Collection method: clinical testing. Allele origin: germline. Not counted in ClinVar's aggregate classification.
Comment: This variant is classified as likely benign based on ACMG/AMP sequence variant interpretation guidelines (Richards et al. 2015 PMID: 25741868, with internal and published modifications).

NM_001127178.3(PIGG):c.2769C>T (p.Tyr923=)

Gene: PIGG (phosphatidylinositol glycan anchor biosynthesis class G (EMM blood group); plus strand). Cytogenetic location: 4p16.3.
Variant type: single nucleotide variant.
Coding change: c.2769C>T on transcript NM_001127178.3 (MANE Select); coding-DNA position 2769, C replaced by T.
Protein change: p.Tyr923=; no amino-acid change (tyrosine 923 retained).
Molecular consequence: synonymous variant. On other transcripts: non-coding transcript variant (10).
Genome position (GRCh38, 1-based): chr4:539,186, C>T. VCF-style: chr4-539186-C-T. GRCh37 (hg19) VCF-style: chr4-532975-C-T.
Other names: c.2502C>T, p.Tyr834= (NM_001289051.2, NM_001345986.2); c.2370C>T, p.Tyr790= (NM_001289052.2); c.2478C>T, p.Tyr826= (NM_001345987.2); c.1740C>T, p.Tyr580= (NM_001345988.2); c.1236C>T, p.Tyr412= (NM_001345990.2, NM_001345991.2); c.1671C>T, p.Tyr557= (NM_001345994.2); c.2745C>T, p.Tyr915= (NM_017733.5).
Identifiers: ClinVar variation 476341 (VCV000476341.13), dbSNP rs148579497, ClinGen allele CA2793754.